The following is an entry in ClinVar:

NM_000395.3(CSF2RB):c.1942C>T (p.Pro648Ser)

Gene: CSF2RB (colony stimulating factor 2 receptor subunit beta; plus strand). Cytogenetic location: 22q12.3.
Variant type: single nucleotide variant.
Coding change: c.1942C>T on transcript NM_000395.3 (MANE Select); coding-DNA position 1942, C replaced by T.
Protein change: p.Pro648Ser; replaces proline 648 with serine.
Molecular consequence: missense variant.
Genome position (GRCh38, 1-based): chr22:36,937,750, C>T. VCF-style: chr22-36937750-C-T. GRCh37 (hg19) VCF-style: chr22-37333792-C-T.
Other names: short protein forms P648S.
Identifiers: ClinVar variation 1363426 (VCV001363426.8), dbSNP rs769804597, ClinGen allele CA10214008.

ClinVar aggregate classification (germline): Uncertain significance (1 of 4 stars; one submission).

Allele frequency attached by ClinVar (database versions not stated): gnomAD exomes below 0.00001.

Submission:

Labcorp Genetics (formerly Invitae), Labcorp
Classification: Uncertain significance. Last evaluated: 2025-10-21. Review status: criteria provided, single submitter. Criteria: Invitae Variant Classification Sherloc (09022015). Collection method: clinical testing. Allele origin: germline.
Comment: This sequence change replaces proline, which is neutral and non-polar, with serine, which is neutral and polar, at codon 648 of the CSF2RB protein (p.Pro648Ser). This variant is not present in population databases (gnomAD no frequency). This variant has not been reported in the literature in individuals affected with CSF2RB-related conditions. ClinVar contains an entry for this variant (Variation ID: 1363426). Invitae Evidence Modeling of protein sequence and biophysical properties (such as structural, functional, and spatial information, amino acid conservation, physicochemical variation, residue mobility, and thermodynamic stability) indicates that this missense variant is not expected to disrupt CSF2RB protein function with a negative predictive value of 80%. In summary, the available evidence is currently insufficient to determine the role of this variant in disease. Therefore, it has been classified as a Variant of Uncertain Significance.